The following is an entry in ClinVar:

ClinVar aggregate classification (germline): Uncertain significance (1 of 4 stars; one submission).

Submission:

GeneDx
Classification: Uncertain significance. Last evaluated: 2026-01-29. Review status: criteria provided, single submitter. Criteria: GeneDx Variant Classification Process June 2021. Collection method: clinical testing. Allele origin: germline.
Comment: Not observed at significant frequency in large population cohorts (gnomAD); In silico analysis supports that this missense variant has a deleterious effect on protein structure/function; Has not been previously published as pathogenic or benign to our knowledge

NM_015215.4(CAMTA1):c.2303C>T (p.Ser768Phe)

Gene: CAMTA1 (calmodulin binding transcription activator 1; plus strand). Cytogenetic location: 1p36.23.
Variant type: single nucleotide variant.
Coding change: c.2303C>T on transcript NM_015215.4 (MANE Select); coding-DNA position 2303, C replaced by T.
Protein change: p.Ser768Phe; replaces serine 768 with phenylalanine.
Molecular consequence: missense variant.
Genome position (GRCh38, 1-based): chr1:7,664,850, C>T. VCF-style: chr1-7664850-C-T. GRCh37 (hg19) VCF-style: chr1-7724910-C-T.
Other names: c.2213C>T, p.Ser738Phe (NM_001349608.2, NM_001349612.2); c.2303C>T, p.Ser768Phe (NM_001349609.2, NM_001349610.2, NM_001410737.1); c.2231C>T, p.Ser744Phe (NM_001410738.1); short protein forms S738F, S744F, S768F.
Identifiers: ClinVar variation 4891323 (VCV004891323.1).
Genomic context (GRCh38, chr1:7,664,850, plus strand): 5'-CCCAGCCCAGCCTCGGCAACGCCTCCAACATGGAGCTCAGCCTGGACCACTTTGACATCT[C>T]CTTCAGCAACCAGTTCTCCGACCTGATCAACGACTTCATCTCCGTGGAGGGGGGCAGCAG-3'
Protein context (NP_056030.1, residues 758-778): MELSLDHFDI[Ser768Phe]FSNQFSDLIN